The following is an entry in ClinVar:

ClinVar aggregate classification (germline): Conflicting classifications of pathogenicity. Review status: criteria provided, conflicting classifications (1 of 4 stars). 3 submissions from 3 submitters: Uncertain significance (2); Likely benign (1). Last evaluated 2026-09-01.

Conditions:
Inborn genetic diseases. Identifiers: MedGen C0950123, MeSH D030342.

Allele frequency attached by ClinVar (database versions not stated): 1000 Genomes Project 30x 0.00031; 1000 Genomes Project 0.00040; ExAC 0.00061; ESP Exome Variant Server 0.00077; gnomAD 0.00080; TOPMed 0.00091.
gnomAD v4.1: 1,392 of 1,609,990 alleles (0.086%); highest among the groups gnomAD compares: Middle Eastern, 0.26%; 5 homozygotes.

Submissions (3):

CeGaT Center for Human Genetics Tuebingen
Classification: Likely benign. Last evaluated: 2026-09-01. Review status: criteria provided, single submitter. Criteria: CeGaT Center For Human Genetics Tuebingen Variant Classification Criteria Version 2. Collection method: clinical testing. Allele origin: germline. Affected: yes. Observed: 1 variant allele.
Comment: PDE2A: BP4, BS2

Labcorp Genetics (formerly Invitae), Labcorp
Classification: Uncertain significance. Last evaluated: 2025-08-04. Review status: criteria provided, single submitter. Criteria: Invitae Variant Classification Sherloc (09022015). Collection method: clinical testing. Allele origin: germline.
Comment: This sequence change replaces glutamic acid, which is acidic and polar, with lysine, which is basic and polar, at codon 363 of the PDE2A protein (p.Glu363Lys). This variant is present in population databases (rs139844982, gnomAD 0.2%), and has an allele count higher than expected for a pathogenic variant. This variant has not been reported in the literature in individuals affected with PDE2A-related conditions. ClinVar contains an entry for this variant (Variation ID: 2041410). An algorithm developed to predict the effect of missense changes on protein structure and function outputs the following: PolyPhen-2: "Benign". The lysine amino acid residue is found in multiple mammalian species, which suggests that this missense change does not adversely affect protein function. In summary, the available evidence is currently insufficient to determine the role of this variant in disease. Therefore, it has been classified as a Variant of Uncertain Significance.

Ambry Genetics
Classification: Uncertain significance for Inborn genetic diseases. Last evaluated: 2021-11-16. Review status: criteria provided, single submitter. Criteria: Ambry Variant Classification Scheme 2023. Collection method: clinical testing. Allele origin: germline.

NM_002599.5(PDE2A):c.1087G>A (p.Glu363Lys)

Genes: PDE2A (phosphodiesterase 2A; minus strand), PDE2A-AS2 (PDE2A antisense RNA 2; plus strand). Cytogenetic location: 11q13.4.
Variant type: single nucleotide variant.
Coding change: c.1087G>A on transcript NM_002599.5 (MANE Select); coding-DNA position 1087, G replaced by A.
Protein change: p.Glu363Lys; replaces glutamic acid 363 with lysine.
Molecular consequence: missense variant.
Genome position (GRCh38, 1-based): chr11:72,586,165, C>T on the plus strand (G>A on the coding strand, the complement: PDE2A is on the minus strand). VCF-style: chr11-72586165-C-T. GRCh37 (hg19) VCF-style: chr11-72297209-C-T.
Other names: c.1066G>A, p.Glu356Lys (NM_001143839.4); c.1060G>A, p.Glu354Lys (NM_001146209.3); c.1024G>A, p.Glu342Lys (NM_001243784.2); short protein forms E342K, E354K, E356K, E363K.
Identifiers: ClinVar variation 2041410 (VCV002041410.5), dbSNP rs139844982, ClinGen allele CA6172309.